The following is an entry in ClinVar:

ClinVar aggregate classification (germline): Pathogenic (1 of 4 stars; one submission).

Conditions:
VPS13A-related neurodegenerative disease. Also called: ACANTHOCYTOSIS WITH NEUROLOGIC DISORDER; LEVINE-CRITCHLEY SYNDROME; Choreoacanthocytosis; Chorea-acanthocytosis; Choreaacanthocytosis; VPS13A Disease. Identifiers: Orphanet 2388, MedGen C0393576, MONDO:0008695, OMIM 200150.

Submission:

Myriad Genetics, Inc.
Classification: Pathogenic for VPS13A-related neurodegenerative disease. Last evaluated: 2024-11-23. Review status: criteria provided, single submitter. Criteria: Myriad Autosomal Dominant, Autosomal Recessive and X-Linked Classification Criteria (2023). Collection method: clinical testing. Allele origin: unknown.
Comment: NM_033305.2(VPS13A):c.4480_4481delGA(D1494Wfs*5) is expected to be pathogenic in the context of VPS13A disease. This variant is predicted to lead to an abnormal or absent protein product due to the creation of a premature termination codon in VPS13A, a gene where loss-of-function variants are known to be pathogenic. Please note: this variant was assessed in the context of healthy population screening.

NM_033305.3(VPS13A):c.4480_4481del (p.Asp1494fs)

Gene: VPS13A (vacuolar protein sorting 13 homolog A; plus strand). Cytogenetic location: 9q21.2.
Variant type: Microsatellite.
Coding change: c.4480_4481del on transcript NM_033305.3 (MANE Select); coding-DNA positions 4480 to 4481, 2 bases deleted (GA; older notation c.4480_4481delGA).
Protein change: p.Asp1494fs; shifts the reading frame from aspartic acid 1494.
Molecular consequence: frameshift variant.
Genome position (GRCh38, 1-based): chr9:77,315,320-77,315,321, GA deleted; deleting any 2 consecutive bases within chr9:77,315,317-77,315,321 gives the same sequence; the c. name uses the placement nearest the transcript's 3' end. VCF-style (leftmost placement, unchanged base first): chr9-77315316-CAG-C. GRCh37 (hg19) VCF-style: chr9-79930232-CAG-C.
Other names: c.4363_4364del, p.Asp1455fs (NM_001018037.2); c.4480_4481del, p.Asp1494fs (NM_001018038.3, NM_015186.4); short protein forms D1455fs, D1494fs.
Identifiers: ClinVar variation 5013793 (VCV005013793.1).